The following is an entry in ClinVar:

NM_201384.3(PLEC):c.7654A>G (p.Met2552Val)

Gene: PLEC (plectin; minus strand). Cytogenetic location: 8q24.3.
Variant type: single nucleotide variant.
Coding change: c.7654A>G on transcript NM_201384.3 (MANE Select); coding-DNA position 7654, A replaced by G.
Protein change: p.Met2552Val; replaces methionine 2552 with valine.
Molecular consequence: missense variant.
Genome position (GRCh38, 1-based): chr8:143,922,167, T>C on the plus strand (A>G on the coding strand, the complement: PLEC is on the minus strand). VCF-style: chr8-143922167-T-C. GRCh37 (hg19) VCF-style: chr8-144996335-T-C.
Other names: c.7654A>G, p.Met2552Val (NM_201382.4); c.7666A>G, p.Met2556Val (NM_201383.3); c.7735A>G, p.Met2579Val (NM_000445.5); c.4354A>G, p.Met1452Val (NM_001410941.1); c.7612A>G, p.Met2538Val (NM_201378.4); c.7588A>G, p.Met2530Val (NM_201379.3); c.8065A>G, p.Met2689Val (NM_201380.4); c.7558A>G, p.Met2520Val (NM_201381.3); short protein forms M1452V, M2520V, M2530V, M2538V, M2552V, M2556V, M2579V, M2689V.
Identifiers: ClinVar variation 3753176 (VCV003753176.2).
Genomic context (GRCh38, chr8:143,922,167, plus strand): 5'-CCTCCTGCTTGCGCCGCACGCCCTCCTCGGCCTCATGCTGCCGCCGCCGCGCCTCCTCCA[T>C]GCTGGCCACCAGCCGCTGCCGTTCCTGCTCCATCTGCTGCTGCTGCCGCTGCTGCTCCTC-3'
Protein context (NP_958786.1, residues 2542-2562): EQERQRLVAS[Met2552Val]EEARRRQHEA

ClinVar aggregate classification (germline): Uncertain significance (1 of 4 stars; one submission).

Conditions:
Epidermolysis bullosa simplex with nail dystrophy (EBS5D). Identifiers: MedGen C4225309, MONDO:0014661, OMIM 616487.
Epidermolysis bullosa simplex, Ogna type (EBS5A). Also called: Pidermolysis bullosa simplex 5A, Ogna type; EPIDERMOLYSIS BULLOSA SIMPLEX 5A, OGNA TYPE. Identifiers: Orphanet 79401, MedGen C0432317, MONDO:0007555, OMIM 131950.
Autosomal recessive limb-girdle muscular dystrophy type 2Q (LGMDR17). Also called: MUSCULAR DYSTROPHY, LIMB-GIRDLE, AUTOSOMAL RECESSIVE 17. Identifiers: Orphanet 254361, MedGen C3150989, MONDO:0013390, OMIM 613723.
Epidermolysis bullosa simplex 5B, with muscular dystrophy (EBS5B). Also called: EPIDERMOLYSIS BULLOSA SIMPLEX AND LIMB-GIRDLE MUSCULAR DYSTROPHY; Epidermolysis bullosa simplex with muscular dystrophy. Identifiers: Orphanet 257, MedGen C2931072, MONDO:0009181, OMIM 226670.
Epidermolysis bullosa simplex 5C, with pyloric atresia (EBS5C). Also called: PLEC-Related Epidermolysis Bullosa with Pyloric Atresia; Epidermolysis bullosa simplex with pyloric atresia; PLEC1-Related Epidermolysis Bullosa with Pyloric Atresia. Identifiers: Orphanet 158684, MedGen C2677349, MONDO:0012807, OMIM 612138.

gnomAD v4.1: 2 of 1,541,824 alleles (0.00013%); highest among the groups gnomAD compares: Non-Finnish European, 0.00017%; no homozygotes.

Submission:

Labcorp Genetics (formerly Invitae), Labcorp
Classification: Uncertain significance for Autosomal recessive limb-girdle muscular dystrophy type 2Q; Epidermolysis bullosa simplex, Ogna type; Epidermolysis bullosa simplex with nail dystrophy; Epidermolysis bullosa simplex 5C, with pyloric atresia; Epidermolysis bullosa simplex 5B, with muscular dystrophy. Last evaluated: 2024-03-18. Review status: criteria provided, single submitter. Criteria: Invitae Variant Classification Sherloc (09022015). Collection method: clinical testing. Allele origin: germline.
Comment: This sequence change replaces methionine, which is neutral and non-polar, with valine, which is neutral and non-polar, at codon 2579 of the PLEC protein (p.Met2579Val). This variant is not present in population databases (gnomAD no frequency). This variant has not been reported in the literature in individuals affected with PLEC-related conditions. Advanced modeling of protein sequence and biophysical properties (such as structural, functional, and spatial information, amino acid conservation, physicochemical variation, residue mobility, and thermodynamic stability) performed at Invitae indicates that this missense variant is not expected to disrupt PLEC protein function with a negative predictive value of 80%. In summary, the available evidence is currently insufficient to determine the role of this variant in disease. Therefore, it has been classified as a Variant of Uncertain Significance.